The following is an entry in ClinVar:

NM_017777.4(MKS1):c.750G>C (p.Arg250Ser)

Gene: MKS1 (MKS transition zone complex subunit 1; minus strand). Cytogenetic location: 17q22.
Variant type: single nucleotide variant.
Coding change: c.750G>C on transcript NM_017777.4 (MANE Select); coding-DNA position 750, G replaced by C.
Protein change: p.Arg250Ser; replaces arginine 250 with serine.
Molecular consequence: missense variant.
Genome position (GRCh38, 1-based): chr17:58,213,090, C>G on the plus strand (G>C on the coding strand, the complement: MKS1 is on the minus strand). VCF-style: chr17-58213090-C-G. GRCh37 (hg19) VCF-style: chr17-56290451-C-G.
Other names: c.141G>C, p.Arg47Ser (NM_001321268.2); c.750G>C, p.Arg250Ser (NM_001321269.2, NM_001330397.2, NM_001411113.1); short protein forms R250S, R47S.
Identifiers: ClinVar variation 3348161 (VCV003348161.1).

ClinVar aggregate classification (germline): Uncertain significance (0 of 4 stars; one submission).

Conditions:
MKS1-related disorder. Also called: MKS1-related condition; MKS1-related disorders. Identifiers: MedGen CN239382.

Submission:

PreventionGenetics, part of Exact Sciences
Classification: Uncertain significance for MKS1-related condition. Last evaluated: 2023-11-22. Review status: no assertion criteria provided. Collection method: clinical testing. Allele origin: germline.
Comment: The MKS1 c.750G>C variant is predicted to result in the amino acid substitution p.Arg250Ser. To our knowledge, this variant has not been reported in the literature or in a large population database, indicating this variant is rare. At this time, the clinical significance of this variant is uncertain due to the absence of conclusive functional and genetic evidence.